The following is an entry in ClinVar:

NM_001035.3(RYR2):c.1343C>T (p.Pro448Leu)

Gene: RYR2 (ryanodine receptor 2; plus strand). Cytogenetic location: 1q43.
Variant type: single nucleotide variant.
Coding change: c.1343C>T on transcript NM_001035.3 (MANE Select); coding-DNA position 1343, C replaced by T.
Protein change: p.Pro448Leu; replaces proline 448 with leucine.
Molecular consequence: missense variant.
Genome position (GRCh38, 1-based): chr1:237,454,441, C>T. VCF-style: chr1-237454441-C-T. GRCh37 (hg19) VCF-style: chr1-237617741-C-T.
Other names: c.1343C>T (NM_001035.2); short protein forms P448L.
Identifiers: ClinVar variation 923369 (VCV000923369.7), dbSNP rs759603395, ClinGen allele CA085372.
Genomic context (GRCh38, chr1:237,454,441, plus strand): 5'-TTTATTTTAGGGGCCTTGATGCTCTCAGCAAGAAAGCGAAGGCTTCCACAGTCGATTTGC[C>T]TATAGAGTCCGTAAGCCTAAGTCTGCAGGATCTCATTGGCTACTTCCACCCCCCAGATGA-3'
Protein context (NP_001026.2, residues 438-458): KKAKASTVDL[Pro448Leu]IESVSLSLQD

ClinVar aggregate classification (germline): Uncertain significance. Review status: criteria provided, multiple submitters, no conflicts (2 of 4 stars). 3 submissions from 3 submitters: Uncertain significance (3). Last evaluated 2024-07-11.

Conditions:
Cardiovascular phenotype. Identifiers: MedGen CN230736.
Cardiomyopathy (CMYO). Also called: Cardiomyopathies. Identifiers: Orphanet 167848, MedGen C0878544, MONDO:0004994, HP:0001638. Inheritance: Various modes of inheritance.
Catecholaminergic polymorphic ventricular tachycardia 1. Also called: VENTRICULAR TACHYCARDIA, CATECHOLAMINERGIC POLYMORPHIC, 1, WITH OR WITHOUT ATRIAL DYSFUNCTION AND/OR DILATED CARDIOMYOPATHY; RYR2-Related Catecholaminergic Polymorphic Ventricular Tachycardia; VENTRICULAR TACHYCARDIA, STRESS-INDUCED POLYMORPHIC 1. Identifiers: Orphanet 3286, MedGen C1631597, MONDO:0011484, OMIM 604772.

Allele frequency attached by ClinVar (database versions not stated): gnomAD exomes below 0.00001 and 0.00001; ExAC 0.00001; gnomAD 0.00001; TOPMed 0.00001.
gnomAD v4.1: 18 of 1,613,416 alleles (0.0011%); highest among the groups gnomAD compares: Non-Finnish European, 0.0014%; no homozygotes.

Submissions (3):

Labcorp Genetics (formerly Invitae), Labcorp
Classification: Uncertain significance for Catecholaminergic polymorphic ventricular tachycardia 1. Last evaluated: 2024-07-11. Review status: criteria provided, single submitter. Criteria: Invitae Variant Classification Sherloc (09022015). Collection method: clinical testing. Allele origin: germline.
Comment: This sequence change replaces proline, which is neutral and non-polar, with leucine, which is neutral and non-polar, at codon 448 of the RYR2 protein (p.Pro448Leu). This variant is present in population databases (rs759603395, gnomAD 0.0009%). This variant has not been reported in the literature in individuals affected with RYR2-related conditions. ClinVar contains an entry for this variant (Variation ID: 923369). Advanced modeling of protein sequence and biophysical properties (such as structural, functional, and spatial information, amino acid conservation, physicochemical variation, residue mobility, and thermodynamic stability) has been performed at Invitae for this missense variant, however the output from this modeling did not meet the statistical confidence thresholds required to predict the impact of this variant on RYR2 protein function. In summary, the available evidence is currently insufficient to determine the role of this variant in disease. Therefore, it has been classified as a Variant of Uncertain Significance.

Ambry Genetics
Classification: Uncertain significance for Cardiovascular phenotype. Last evaluated: 2022-07-15. Review status: criteria provided, single submitter. Criteria: Ambry Variant Classification Scheme 2023. Collection method: clinical testing. Allele origin: germline.
Comment: The p.P448L variant (also known as c.1343C>T), located in coding exon 15 of the RYR2 gene, results from a C to T substitution at nucleotide position 1343. The proline at codon 448 is replaced by leucine, an amino acid with similar properties. This amino acid position is highly conserved in available vertebrate species. In addition, this alteration is predicted to be deleterious by in silico analysis. Since supporting evidence is limited at this time, the clinical significance of this alteration remains unclear.

Color Diagnostics, LLC DBA Color Health
Classification: Uncertain significance for Cardiomyopathy. Last evaluated: 2019-11-14. Review status: criteria provided, single submitter. Criteria: ACMG Guidelines, 2015. Collection method: clinical testing. Allele origin: germline.
Comment: This missense variant replaces proline with leucine at codon 448 of the RYR2 protein. Computational prediction is inconclusive regarding the impact of this variant on protein structure and function (internally defined REVEL score threshold 0.5 < inconclusive < 0.7, PMID: 27666373). Splice site prediction tools suggest that this variant may not impact RNA splicing. To our knowledge, functional studies have not been performed for this variant. This variant has not been reported in individuals affected with cardiovascular disorders in the literature. This variant has been identified in 2/279928 chromosomes in the general population by the Genome Aggregation Database (gnomAD). The available evidence is insufficient to determine the role of this variant in disease conclusively. Therefore, this variant is classified as a Variant of Uncertain Significance.